The following is an entry in ClinVar:

NM_001378454.1(ALMS1):c.7740G>C (p.Glu2580Asp)

Gene: ALMS1 (ALMS1 centrosome and basal body associated protein; plus strand). Cytogenetic location: 2p13.1.
Variant type: single nucleotide variant.
Coding change: c.7740G>C on transcript NM_001378454.1 (MANE Select); coding-DNA position 7740, G replaced by C.
Protein change: p.Glu2580Asp; replaces glutamic acid 2580 with aspartic acid.
Molecular consequence: missense variant.
Genome position (GRCh38, 1-based): chr2:73,489,699, G>C. VCF-style: chr2-73489699-G-C. GRCh37 (hg19) VCF-style: chr2-73716826-G-C.
Other names: c.7743G>C, p.Glu2581Asp (NM_015120.4); short protein forms E2581D, E2580D.
Identifiers: ClinVar variation 684452 (VCV000684452.8), dbSNP rs543921060, ClinGen allele CA1714334.
Genomic context (GRCh38, chr2:73,489,699, plus strand): 5'-ACAGAGTCCACGGGGAATGGGATGCAAGCCAGAAGCTGTATGTAGTCACATTATTATTGA[G>C]AGCCATGAAAAGGGATGTTTCCGGACTCTAACTTCTGAACATCCACAACTAGATAGACAC-3'
Protein context (NP_001365383.1, residues 2570-2590): PEAVCSHIII[Glu2580Asp]SHEKGCFRTL

ClinVar aggregate classification (germline): Uncertain significance. Review status: criteria provided, multiple submitters, no conflicts (2 of 4 stars). 4 submissions from 4 submitters: Uncertain significance (3). 1 of the submissions does not count toward it. Last evaluated 2023-11-30.

Conditions:
Nephrotic syndrome. Identifiers: MedGen C0027726, MONDO:0005377, HP:0000100.
Alstrom syndrome (ALMS). Identifiers: Orphanet 64, MedGen C0268425, MONDO:0008763, OMIM 203800.

Allele frequency attached by ClinVar (database versions not stated): TOPMed below 0.00001; gnomAD 0.00003; 1000 Genomes Project 30x 0.00062; 1000 Genomes Project 0.00080.
gnomAD v4.1: 31 of 1,614,076 alleles (0.0019%); highest among the groups gnomAD compares: South Asian, 0.032%; 1 homozygote.

Submissions (4):

GeneDx
Classification: Uncertain significance. Last evaluated: 2023-11-30. Review status: criteria provided, single submitter. Criteria: GeneDx Variant Classification Process June 2021. Collection method: clinical testing. Allele origin: germline. Affected: yes.
Comment: In silico analysis supports that this missense variant has a deleterious effect on protein structure/function; Has not been previously published as pathogenic or benign to our knowledge

Labcorp Genetics (formerly Invitae), Labcorp
Classification: Uncertain significance for Alstrom syndrome. Last evaluated: 2022-11-01. Review status: criteria provided, single submitter. Criteria: Invitae Variant Classification Sherloc (09022015). Collection method: clinical testing. Allele origin: germline.
Comment: This sequence change replaces glutamic acid, which is acidic and polar, with aspartic acid, which is acidic and polar, at codon 2581 of the ALMS1 protein (p.Glu2581Asp). This variant is present in population databases (rs543921060, gnomAD 0.03%). This variant has not been reported in the literature in individuals affected with ALMS1-related conditions. ClinVar contains an entry for this variant (Variation ID: 684452). Experimental studies and prediction algorithms are not available or were not evaluated, and the functional significance of this variant is currently unknown. In summary, the available evidence is currently insufficient to determine the role of this variant in disease. Therefore, it has been classified as a Variant of Uncertain Significance.

Blueprint Genetics
Classification: Uncertain significance. Last evaluated: 2018-01-15. Review status: criteria provided, single submitter. Criteria: ACMG Guidelines, 2015. Collection method: clinical testing. Allele origin: germline.

Sydney Genome Diagnostics, Children's Hospital Westmead
Classification: Uncertain significance for Nephrotic syndrome. Last evaluated: 2017-11-17. Review status: no assertion criteria provided. Collection method: clinical testing. Allele origin: unknown. Affected: yes. Observed: 1 variant allele, 1 compound heterozygote. Not counted in ClinVar's aggregate classification.
Comment: To our knowledge, this variant has not been previously reported in the literature or any disease specific databases to be a disease causing variant. This variant has been reported in the gnomAD browser with a low allele frequency of 0.03% (9/30,778 alleles). In silico analysis of pathogenicity (through Alamut Visual v2.8.1) is inconclusive regarding this change; PolyPhen2 and SIFT predicts it to be likely pathogenic whereas MutationTaster and Align GVD predicts this variant to be benign. This variant is considered to be a variant of uncertain clinical significance (VOUS) according to the ACMG guidelines.